The following is an entry in ClinVar:

NM_015602.4(TOR1AIP1):c.454C>T (p.Arg152Trp)

Genes: TOR1AIP1 (torsin 1A interacting protein 1; plus strand), LOC112577517 (Sharpr-MPRA regulatory region 13766; plus strand). Cytogenetic location: 1q25.2.
Variant type: single nucleotide variant.
Coding change: c.454C>T on transcript NM_015602.4 (MANE Select); coding-DNA position 454, C replaced by T.
Protein change: p.Arg152Trp; replaces arginine 152 with tryptophan.
Molecular consequence: missense variant.
Genome position (GRCh38, 1-based): chr1:179,882,956, C>T. VCF-style: chr1-179882956-C-T. GRCh37 (hg19) VCF-style: chr1-179852091-C-T.
Other names: c.454C>T, p.Arg152Trp (NM_001267578.2); short protein forms R152W.
Identifiers: ClinVar variation 862731 (VCV000862731.8), dbSNP rs771916953, ClinGen allele CA1268759.

ClinVar aggregate classification (germline): Uncertain significance. Review status: criteria provided, multiple submitters, no conflicts (2 of 4 stars). 2 submissions from 2 submitters: Uncertain significance (2). Last evaluated 2024-12-26.

Conditions:
Autosomal recessive limb-girdle muscular dystrophy type 2Y (MRRSDC). Also called: Muscular dystrophy, limb-girdle, type 2y; Muscular dystrophy, autosomal recessive, with rigid spine and distal joint contractures. Identifiers: Orphanet 424261, MedGen C4511482, MONDO:0014900, OMIM 617072.

Allele frequency attached by ClinVar (database versions not stated): gnomAD exomes 0.00001 and below 0.00001; gnomAD 0.00002; ExAC 0.00002; TOPMed 0.00003.
gnomAD v4.1: 6 of 1,612,864 alleles (0.00037%); highest among the groups gnomAD compares: East Asian, 0.011%; no homozygotes.

Submissions (2):

GeneDx
Classification: Uncertain significance. Last evaluated: 2024-12-26. Review status: criteria provided, single submitter. Criteria: GeneDx Variant Classification Process June 2021. Collection method: clinical testing. Allele origin: germline. Affected: yes.
Comment: In silico analysis supports that this missense variant has a deleterious effect on protein structure/function; Has not been previously published as pathogenic or benign to our knowledge

Labcorp Genetics (formerly Invitae), Labcorp
Classification: Uncertain significance for Autosomal recessive limb-girdle muscular dystrophy type 2Y. Last evaluated: 2022-08-16. Review status: criteria provided, single submitter. Criteria: Invitae Variant Classification Sherloc (09022015). Collection method: clinical testing. Allele origin: germline.
Comment: The frequency data for this variant in the population databases is considered unreliable, as metrics indicate poor data quality at this position in the gnomAD database. This variant has not been reported in the literature in individuals affected with TOR1AIP1-related conditions. ClinVar contains an entry for this variant (Variation ID: 862731). Algorithms developed to predict the effect of missense changes on protein structure and function are either unavailable or do not agree on the potential impact of this missense change (SIFT: "Deleterious"; PolyPhen-2: "Benign"; Align-GVGD: "Class C0"). In summary, the available evidence is currently insufficient to determine the role of this variant in disease. Therefore, it has been classified as a Variant of Uncertain Significance. This sequence change replaces arginine, which is basic and polar, with tryptophan, which is neutral and slightly polar, at codon 152 of the TOR1AIP1 protein (p.Arg152Trp).